The following is an entry in ClinVar:

ClinVar aggregate classification (germline): Pathogenic. Review status: reviewed by expert panel (3 of 4 stars). 2 submissions from 2 submitters: Pathogenic (1). 1 of the submissions does not count toward it. Last evaluated 2016-10-18.

Conditions:
Breast-ovarian cancer, familial, susceptibility to, 2 (BROVCA2). Also called: BRCA2 Hereditary Breast and Ovarian Cancer. Identifiers: Orphanet 145, MedGen C2675520, MONDO:0012933, OMIM 612555. Disease mechanism: loss of function.

Submissions (2):

Evidence-based Network for the Interpretation of Germline Mutant Alleles (ENIGMA)
Classification: Pathogenic for Breast-ovarian cancer, familial, susceptibility to, 2. Last evaluated: 2016-10-18. Review status: reviewed by expert panel. Criteria: ENIGMA BRCA1/2 Classification Criteria (2015). Collection method: curation. Allele origin: germline.
Comment: Variant allele predicted to encode a truncated non-functional protein.

Consortium of Investigators of Modifiers of BRCA1/2 (CIMBA), c/o University of Cambridge
Classification: Pathogenic for Breast-ovarian cancer, familial, susceptibility to, 2. Last evaluated: 2015-10-02. Review status: criteria provided, single submitter. Criteria: CIMBA Mutation Classification guidelines May 2016. Collection method: clinical testing. Allele origin: germline. Not counted in ClinVar's aggregate classification.

NM_000059.4(BRCA2):c.4264_4270del (p.Glu1422fs)

Gene: BRCA2 (BRCA2 DNA repair associated; plus strand). Cytogenetic location: 13q13.1.
Variant type: Deletion.
Coding change: c.4264_4270del on transcript NM_000059.4 (MANE Select); coding-DNA positions 4264 to 4270, 7 bases deleted (GAGACTT; older notation c.4264_4270delGAGACTT).
Protein change: p.Glu1422fs; shifts the reading frame from glutamic acid 1422.
Molecular consequence: frameshift variant.
Genome position (GRCh38, 1-based): chr13:32,338,619-32,338,625, GAGACTT deleted; deleting any 7 consecutive bases within chr13:32,338,617-32,338,625 gives the same sequence; the c. name uses the placement nearest the transcript's 3' end. VCF-style (leftmost placement, unchanged base first): chr13-32338616-TTTGAGAC-T. GRCh37 (hg19) VCF-style: chr13-32912753-TTTGAGAC-T.
Other names: 4492delGAGACTT; short protein forms E1422fs.
Identifiers: ClinVar variation 266798 (VCV000266798.5), dbSNP rs886040517, ClinGen allele CA10589248.
Genomic context (GRCh38, chr13:32,338,616, plus strand): 5'-GGTAATACTTCAAATAAAGAACAGTTAACTGCTACTAAAACGGAGCAAAATATAAAAGAT[TTTGAGAC>T]TTCTGATACATTTTTTCAGACTGCAAGTGGGAAAAATATTAGTGTCGCCAAAGAGTCATT-3'